The following is an entry in ClinVar:

NM_018075.5(ANO10):c.1013A>C (p.Asp338Ala)

Gene: ANO10 (anoctamin 10; minus strand). Cytogenetic location: 3p22.1.
Variant type: single nucleotide variant.
Coding change: c.1013A>C on transcript NM_018075.5 (MANE Select); coding-DNA position 1013, A replaced by C.
Protein change: p.Asp338Ala; replaces aspartic acid 338 with alanine.
Molecular consequence: missense variant. On other transcripts: intron variant (1).
Genome position (GRCh38, 1-based): chr3:43,576,841, T>G on the plus strand (A>C on the coding strand, the complement: ANO10 is on the minus strand). VCF-style: chr3-43576841-T-G. GRCh37 (hg19) VCF-style: chr3-43618333-T-G.
Other names: c.1013A>C, p.Asp338Ala (NM_001204831.3, NM_001346463.2, NM_001346464.2 and 3 more transcripts); c.815A>C, p.Asp272Ala (NM_001204832.3, NM_001346466.2, NM_001346469.2); c.680A>C, p.Asp227Ala (NM_001204833.3); c.593-1977A>C (NM_001204834.3); short protein forms D338A, D227A, D272A.
Identifiers: ClinVar variation 3127077 (VCV003127077.2), dbSNP rs370331216, ClinGen allele CA2340900.
Genomic context (GRCh38, chr3:43,576,841, plus strand): 5'-AGGACACTGGTCCACTCAGACCCGCTGTTCTCATGTAGACCCAAGGCCCAAACCTCCATG[T>G]CGAAGTAAATCATCATGACATACAGTGAGAAATAGAGGCAGAGGCACACGAATGGCAGGG-3'
Protein context (NP_060545.3, residues 328-348): FSLYVMMIYF[Asp338Ala]MEVWALGLHE

ClinVar aggregate classification (germline): Uncertain significance. Review status: criteria provided, multiple submitters, no conflicts (2 of 4 stars). 2 submissions from 2 submitters: Uncertain significance (2). Last evaluated 2023-12-19.

Conditions:
Inborn genetic diseases. Identifiers: MedGen C0950123, MeSH D030342.

Allele frequency attached by ClinVar (database versions not stated): ExAC 0.00002; gnomAD 0.00002; gnomAD exomes 0.00002; TOPMed 0.00002; ESP Exome Variant Server 0.00008.
gnomAD v4.1: 38 of 1,614,040 alleles (0.0024%); highest among the groups gnomAD compares: Admixed American, 0.005%; no homozygotes.

Submissions (2):

Athena Diagnostics
Classification: Uncertain significance. Last evaluated: 2023-12-19. Review status: criteria provided, single submitter. Criteria: Athena Diagnostics Criteria. Collection method: clinical testing. Allele origin: unknown.
Comment: Available data are insufficient to determine the clinical significance of the variant at this time. The frequency of this variant in the general population is uninformative in assessment of its pathogenicity. Computational tools predict that this variant is not damaging.

Ambry Genetics
Classification: Uncertain significance for Inborn genetic diseases. Last evaluated: 2023-12-14. Review status: criteria provided, single submitter. Criteria: Ambry Variant Classification Scheme 2023. Collection method: clinical testing. Allele origin: germline.